The following is an entry in ClinVar:

ClinVar aggregate classification (germline): Pathogenic (1 of 4 stars; one submission).

Conditions:
Glycogen storage disease IXc (GSD9C). Also called: GSD IXc. Identifiers: Orphanet 264580, MedGen C2751643, MONDO:0013091, OMIM 613027.

Submission:

Labcorp Genetics (formerly Invitae), Labcorp
Classification: Pathogenic for Glycogen storage disease IXc. Last evaluated: 2023-07-10. Review status: criteria provided, single submitter. Criteria: Invitae Variant Classification Sherloc (09022015). Collection method: clinical testing. Allele origin: germline.
Comment: This sequence change affects a splice site in intron 6 of the PHKG2 gene. It is expected to disrupt RNA splicing. Variants that disrupt the donor or acceptor splice site typically lead to a loss of protein function (PMID: 16199547), and loss-of-function variants in PHKG2 are known to be pathogenic (PMID: 8896567, 17689125, 21646031). For these reasons, this variant has been classified as Pathogenic. ClinVar contains an entry for this variant (Variation ID: 1072144). Disruption of this splice site has been observed in individual(s) with glycogen storage disease (Invitae). In at least one individual the data is consistent with being in trans (on the opposite chromosome) from a pathogenic variant. Information on the frequency of this variant in the gnomAD database is not available, as this variant may be reported differently in the database.

Literature cited by the submitters: PubMed 16199547; PubMed 8896567; PubMed 17689125; PubMed 21646031.

NM_000294.3(PHKG2):c.557-1_557delinsAG

Gene: PHKG2 (phosphorylase kinase catalytic subunit gamma 2; plus strand). Cytogenetic location: 16p11.2.
Variant type: Indel.
Coding change: c.557-1_557delinsAG on transcript NM_000294.3 (MANE Select); the canonical splice acceptor site of the intron before coding-DNA position 557 through coding-DNA position 557, GA replaced by AG.
Molecular consequence: splice acceptor variant.
Genome position (GRCh38, 1-based): chr16:30,756,181-30,756,182, GA replaced by AG. VCF-style: chr16-30756181-GA-AG. GRCh37 (hg19) VCF-style: chr16-30767502-GA-AG.
Other names: c.557-1_557delinsAG (NM_001172432.2).
Identifiers: ClinVar variation 1072144 (VCV001072144.7), dbSNP rs2151310104, ClinGen allele CA2499223502.
Genomic context (GRCh38, chr16:30,756,181, plus strand): 5'-CAGTGCTAAGGGCCCTAGAGGGGCTGGTGGCATCCCCTCAATCTTGGTCCTCTCTCCCCA[GA>AG]GTTGTGTGGGACCCCAGGGTATCTAGCGCCAGAGATCCTTAAATGCTCCATGGATGAAAC-3'